The following is an entry in ClinVar:

NM_005121.3(MED13):c.1745T>A (p.Leu582Ter)

Gene: MED13 (mediator complex subunit 13; minus strand). Cytogenetic location: 17q23.2.
Variant type: single nucleotide variant.
Coding change: c.1745T>A on transcript NM_005121.3 (MANE Select); coding-DNA position 1745, T replaced by A.
Protein change: p.Leu582Ter; replaces leucine 582 with a stop codon.
Molecular consequence: nonsense.
Genome position (GRCh38, 1-based): chr17:62,010,772, A>T on the plus strand (T>A on the coding strand, the complement: MED13 is on the minus strand). VCF-style: chr17-62010772-A-T. GRCh37 (hg19) VCF-style: chr17-60088133-A-T.
Other names: short protein forms L582*.
Identifiers: ClinVar variation 620176 (VCV000620176.2), dbSNP rs780070113, ClinGen allele CA400518228.
Genomic context (GRCh38, chr17:62,010,772, plus strand): 5'-GTACCAACATATACTGTAGGTTCTACAGCTTCCTGATATTGAGGTGGGAAAGACTGGGAC[A>T]AACTGTCTATCCTATCTTCCATTGGTTTAGAAGGAACCAAGGGATCTGGTGTTGGCATTT-3'

ClinVar aggregate classification (germline): Pathogenic. Review status: criteria provided, single submitter (1 of 4 stars). 2 submissions from 2 submitters: Pathogenic (1). 1 of the submissions does not count toward it. Last evaluated 2018-09-24.

Conditions:
Intellectual developmental disorder 61. Also called: MENTAL RETARDATION, AUTOSOMAL DOMINANT 61; INTELLECTUAL DEVELOPMENTAL DISORDER, AUTOSOMAL DOMINANT 61. Identifiers: MedGen C5231400, MONDO:0032485, OMIM 618009.

Submissions (2):

GeneDx
Classification: Pathogenic. Last evaluated: 2018-09-24. Review status: criteria provided, single submitter. Criteria: GeneDx Variant Classification (06012015). Collection method: clinical testing. Allele origin: germline. Affected: yes.
Comment: The L582X variant in the MED13 gene has not been reported previously as a pathogenic variant nor as a benign variant, to our knowledge. This variant is predicted to cause loss of normal protein function either through protein truncation or nonsense-mediated mRNA decay. The L582X variant is not observed in large population cohorts (Lek et al., 2016). We interpret L582X as a pathogenic variant.

OMIM
Classification: Pathogenic for INTELLECTUAL DEVELOPMENTAL DISORDER, AUTOSOMAL DOMINANT 61. Last evaluated: 2020-12-14. Review status: no assertion criteria provided. Collection method: literature only. Allele origin: germline. Not counted in ClinVar's aggregate classification.

Literature cited by the submitters: PubMed 29740699 (cited by OMIM).